The following is an entry in ClinVar:

NM_001148.6(ANK2):c.5450_5451del (p.Arg1817fs)

Genes: ANK2 (ankyrin 2; plus strand), LOC126807136 (MED14-independent group 3 enhancer GRCh37_chr4:114274931-114276130; plus strand). Cytogenetic location: 4q26.
Variant type: Microsatellite.
Coding change: c.5450_5451del on transcript NM_001148.6 (MANE Select); coding-DNA positions 5450 to 5451, 2 bases deleted (GA; older notation c.5450_5451delGA).
Protein change: p.Arg1817fs; shifts the reading frame from arginine 1817.
Molecular consequence: frameshift variant. On other transcripts: intron variant (68).
Genome position (GRCh38, 1-based): chr4:113,354,068-113,354,069, GA deleted; deleting any 2 consecutive bases within chr4:113,354,063-113,354,069 gives the same sequence; the c. name uses the placement nearest the transcript's 3' end. VCF-style (leftmost placement, unchanged base first): chr4-113354062-CAG-C. GRCh37 (hg19) VCF-style: chr4-114275218-CAG-C.
Other names: c.5216_5217del, p.Arg1739fs (NM_001386142.1); c.1850_1851del, p.Arg617fs (NM_001386166.1); c.5591_5592del, p.Arg1864fs (NM_001386174.1); c.5567_5568del, p.Arg1856fs (NM_001386175.1); c.4411+3814AG[2] (NM_001386186.2, NM_001386148.2); c.4213+3814AG[2] (NM_001354269.3); c.4291+3814AG[2] (NM_001386187.2); c.4252+3814AG[2] (NM_001386147.1); and 35 more; short protein forms R1739fs, R1817fs, R1856fs, R1864fs, R617fs.
Identifiers: ClinVar variation 4683080 (VCV004683080.1).

ClinVar aggregate classification (germline): Pathogenic (1 of 4 stars; one submission).

Conditions:
ANK2-associated seizure disorder.

Submission:

Institute of Human Genetics, University of Leipzig Medical Center
Classification: Pathogenic for ANK2-associated seizure disorder. Last evaluated: 2025-12-19. Review status: criteria provided, single submitter. Criteria: ACMG Guidelines, 2015. Collection method: clinical testing. Allele origin: unknown. Inheritance: Autosomal dominant inheritance. Affected: yes.
Comment: Criteria applied: PVS1,PM2

Literature cited by the submitters: PubMed 37195288.